The following is an entry in ClinVar:

ClinVar aggregate classification (germline): Uncertain significance (1 of 4 stars; one submission).

Submission:

Labcorp Genetics (formerly Invitae), Labcorp
Classification: Uncertain significance. Last evaluated: 2022-11-07. Review status: criteria provided, single submitter. Criteria: Invitae Variant Classification Sherloc (09022015). Collection method: clinical testing. Allele origin: germline.
Comment: This variant is not present in population databases (gnomAD no frequency). In summary, the available evidence is currently insufficient to determine the role of this variant in disease. Therefore, it has been classified as a Variant of Uncertain Significance. Advanced modeling of protein sequence and biophysical properties (such as structural, functional, and spatial information, amino acid conservation, physicochemical variation, residue mobility, and thermodynamic stability) performed at Invitae indicates that this missense variant is not expected to disrupt STAG1 protein function. This variant has not been reported in the literature in individuals affected with STAG1-related conditions. This sequence change replaces proline, which is neutral and non-polar, with threonine, which is neutral and polar, at codon 940 of the STAG1 protein (p.Pro940Thr).

NM_005862.3(STAG1):c.2818C>A (p.Pro940Thr)

Gene: STAG1 (STAG1 cohesin complex component; minus strand). Cytogenetic location: 3q22.3.
Variant type: single nucleotide variant.
Coding change: c.2818C>A on transcript NM_005862.3 (MANE Select); coding-DNA position 2818, C replaced by A.
Protein change: p.Pro940Thr; replaces proline 940 with threonine.
Molecular consequence: missense variant.
Genome position (GRCh38, 1-based): chr3:136,359,266, G>T on the plus strand (C>A on the coding strand, the complement: STAG1 is on the minus strand). VCF-style: chr3-136359266-G-T. GRCh37 (hg19) VCF-style: chr3-136078108-G-T.
Other names: short protein forms P940T.
Identifiers: ClinVar variation 2812549 (VCV002812549.3), dbSNP rs200155287, ClinGen allele CA354645512.
Genomic context (GRCh38, chr3:136,359,266, plus strand): 5'-CAAAGCGACGTGCCAGTTCTTTAATGCCACTGACATGGGCAGATGTCCTATCTAGGTTGG[G>T]ACCTTGCTCTTGAACAAGTTCATTAAATAACTGATAGAAAGAAAAAAAGAAGAAAAAACC-3'
Protein context (NP_005853.2, residues 930-950): LFNELVQEQG[Pro940Thr]NLDRTSAHVS